The following is an entry in ClinVar:

ClinVar aggregate classification (germline): Uncertain significance (1 of 4 stars; one submission).

Conditions:
Nemaline myopathy 6 (NEM6). Also called: Nemaline myopathy 6, autosomal dominant. Identifiers: Orphanet 171439, MedGen C1836472, MONDO:0012237, OMIM 609273.

Submission:

Labcorp Genetics (formerly Invitae), Labcorp
Classification: Uncertain significance for Nemaline myopathy 6. Last evaluated: 2025-07-13. Review status: criteria provided, single submitter. Criteria: Invitae Variant Classification Sherloc (09022015). Collection method: clinical testing. Allele origin: germline.
Comment: This sequence change replaces threonine, which is neutral and polar, with isoleucine, which is neutral and non-polar, at codon 420 of the KBTBD13 protein (p.Thr420Ile). This variant is not present in population databases (gnomAD no frequency). This variant has not been reported in the literature in individuals affected with KBTBD13-related conditions. An algorithm developed to predict the effect of missense changes on protein structure and function (PolyPhen-2) suggests that this variant is likely to be tolerated. In summary, the available evidence is currently insufficient to determine the role of this variant in disease. Therefore, it has been classified as a Variant of Uncertain Significance.

NM_001101362.3(KBTBD13):c.1259C>T (p.Thr420Ile)

Gene: KBTBD13 (kelch repeat and BTB domain containing 13; plus strand). Cytogenetic location: 15q22.31.
Variant type: single nucleotide variant.
Coding change: c.1259C>T on transcript NM_001101362.3 (MANE Select); coding-DNA position 1259, C replaced by T.
Protein change: p.Thr420Ile; replaces threonine 420 with isoleucine.
Molecular consequence: missense variant.
Genome position (GRCh38, 1-based): chr15:65,078,074, C>T. VCF-style: chr15-65078074-C-T. GRCh37 (hg19) VCF-style: chr15-65370412-C-T.
Other names: short protein forms T420I.
Identifiers: ClinVar variation 4695512 (VCV004695512.1).